The following is an entry in ClinVar:

ClinVar aggregate classification (germline): Likely benign. Review status: criteria provided, multiple submitters, no conflicts (2 of 4 stars). 3 submissions from 3 submitters: Likely benign (2). 1 of the submissions does not count toward it. Last evaluated 2025-08-31.

Conditions:
Corneal dystrophy-perceptive deafness syndrome (CDPD). Also called: HARBOYAN SYNDROME; CORNEAL DYSTROPHY AND SENSORINEURAL DEAFNESS. Identifiers: Orphanet 1490, MedGen C1857572, MONDO:0009015, OMIM 217400.

Allele frequency attached by ClinVar (database versions not stated): TOPMed below 0.00001; gnomAD exomes 0.00001 and 0.00004; ExAC 0.00006.

Submissions (3):

Labcorp Genetics (formerly Invitae), Labcorp
Classification: Likely benign. Last evaluated: 2025-08-31. Review status: criteria provided, single submitter. Criteria: Invitae Variant Classification Sherloc (09022015). Collection method: clinical testing. Allele origin: germline.

CeGaT Center for Human Genetics Tuebingen
Classification: Likely benign. Last evaluated: 2024-12-01. Review status: criteria provided, single submitter. Criteria: CeGaT Center For Human Genetics Tuebingen Variant Classification Criteria Version 2. Collection method: clinical testing. Allele origin: germline. Affected: yes. Observed: 1 variant allele.
Comment: SLC4A11: BP4, BP7

Natera, Inc.
Classification: Likely benign for Corneal dystrophy-perceptive deafness syndrome. Last evaluated: 2020-03-09. Review status: no assertion criteria provided. Collection method: clinical testing. Allele origin: germline. Not counted in ClinVar's aggregate classification.

NM_001174089.2(SLC4A11):c.1926C>T (p.Val642=)

Gene: SLC4A11 (solute carrier family 4 member 11; minus strand). Cytogenetic location: 20p13.
Variant type: single nucleotide variant.
Coding change: c.1926C>T on transcript NM_001174089.2 (MANE Select); coding-DNA position 1926, C replaced by T.
Protein change: p.Val642=; no amino-acid change (valine 642 retained).
Molecular consequence: synonymous variant. On other transcripts: non-coding transcript variant (1).
Genome position (GRCh38, 1-based): chr20:3,229,187, G>A on the plus strand (C>T on the coding strand, the complement: SLC4A11 is on the minus strand). VCF-style: chr20-3229187-G-A. GRCh37 (hg19) VCF-style: chr20-3209833-G-A.
Other names: c.2055C>T, p.Val685= (NM_001174090.2); c.1812C>T, p.Val604= (NM_001363745.2); c.1974C>T, p.Val658= (NM_032034.4).
Identifiers: ClinVar variation 793944 (VCV000793944.25), dbSNP rs755545377, ClinGen allele CA9741664.